The following is an entry in ClinVar:

ClinVar aggregate classification (germline): Uncertain significance (1 of 4 stars; one submission).

Conditions:
Cardiovascular phenotype. Identifiers: MedGen CN230736.

Submission:

Ambry Genetics
Classification: Uncertain significance for Cardiovascular phenotype. Last evaluated: 2026-04-11. Review status: criteria provided, single submitter. Criteria: Ambry Variant Classification Scheme 2023. Collection method: clinical testing. Allele origin: germline.
Comment: The p.L2974F variant (also known as c.8922G>C), located in coding exon 26 of the APOB gene, results from a G to C substitution at nucleotide position 8922. The leucine at codon 2974 is replaced by phenylalanine, an amino acid with highly similar properties. This amino acid position is conserved. In addition, this alteration is predicted to be tolerated by in silico analysis. Based on the available evidence, the clinical significance of this variant remains unclear.

NM_000384.3(APOB):c.8922G>C (p.Leu2974Phe)

Gene: APOB (apolipoprotein B; minus strand). Cytogenetic location: 2p24.1.
Variant type: single nucleotide variant.
Coding change: c.8922G>C on transcript NM_000384.3 (MANE Select); coding-DNA position 8922, G replaced by C.
Protein change: p.Leu2974Phe; replaces leucine 2974 with phenylalanine.
Molecular consequence: missense variant.
Genome position (GRCh38, 1-based): chr2:21,007,946, C>G on the plus strand (G>C on the coding strand, the complement: APOB is on the minus strand). VCF-style: chr2-21007946-C-G. GRCh37 (hg19) VCF-style: chr2-21230818-C-G.
Other names: short protein forms L2974F.
Identifiers: ClinVar variation 4862548 (VCV004862548.1).